The following is an entry in ClinVar:

NM_030653.4(DDX11):c.1466A>T (p.Asn489Ile)

Gene: DDX11 (DEAD/H-box helicase 11; plus strand). Cytogenetic location: 12p11.21.
Variant type: single nucleotide variant.
Coding change: c.1466A>T on transcript NM_030653.4 (MANE Select); coding-DNA position 1466, A replaced by T.
Protein change: p.Asn489Ile; replaces asparagine 489 with isoleucine.
Molecular consequence: missense variant.
Genome position (GRCh38, 1-based): chr12:31,094,806, A>T. VCF-style: chr12-31094806-A-T. GRCh37 (hg19) VCF-style: chr12-31247740-A-T.
Other names: c.1466A>T, p.Asn489Ile (NM_152438.2, NM_001257144.2, NM_004399.3); c.1388A>T, p.Asn463Ile (NM_001257145.2); short protein forms N463I, N489I.
Identifiers: ClinVar variation 1339171 (VCV001339171.3), dbSNP rs776193334, ClinGen allele CA6501318.
Genomic context (GRCh38, chr12:31,094,806, plus strand): 5'-TGTTCTCAGGGACGGAGCTGAAGACCATCAACGACTTTCTCTTCCAGAGCCAGATCGACA[A>T]CATCAACCTGTTCAAGGTAGAGGTTTCCACCTTTCCACATTCCACATCCAATTTCCTTCC-3'
Protein context (NP_085911.2, residues 479-499): NDFLFQSQID[Asn489Ile]INLFKVQRYC

ClinVar aggregate classification (germline): Uncertain significance (1 of 4 stars; one submission).

Conditions:
Warsaw breakage syndrome (WABS). Also called: DDX11-Related Cohesinopathy. Identifiers: Orphanet 280558, MedGen C3150658, MONDO:0013252, OMIM 613398.

Allele frequency attached by ClinVar (database versions not stated): gnomAD 0.00003.

Submission:

Neuberg Centre For Genomic Medicine, NCGM
Classification: Uncertain significance for Warsaw breakage syndrome. Review status: criteria provided, single submitter. Criteria: ACMG Guidelines, 2015. Collection method: clinical testing. Allele origin: germline. Inheritance: Autosomal recessive inheritance. Affected: yes.
Comment: The missense variant c.1466A>T(p.Asn489Ile) in the DDX11 gene has not been reported previously as a pathogenic variant nor as a benign variant, to our knowledge. This variant is reported with the allele frequency (0.008%) in the gnomAD Exomes. This variant has been reported to the ClinVar database as Uncertain Significance. However, no details are available for independent assessment. The amino acid Asparagine at position 489 is changed to a Isoleucine changing protein sequence and it might alter its composition and physico- chemical properties. The variant is predicted as damaging by SIFT. The amino acid change p.Asn489Ile in DDX11 is predicted as conserved by GERP++ and PhyloP across 100 vertebrates. For these reasons, this variant has been classified as Uncertain Significance.